The following is an entry in ClinVar:

ClinVar aggregate classification (germline): Likely benign. Review status: criteria provided, multiple submitters, no conflicts (2 of 4 stars). 3 submissions from 3 submitters: Likely benign (3). Last evaluated 2024-08-30.

Conditions:
Hereditary cancer-predisposing syndrome. Also called: Neoplastic Syndromes, Hereditary; Hereditary neoplastic syndrome; Hereditary Cancer Syndrome; Tumor predisposition. Identifiers: Orphanet 140162, MedGen C0027672, MeSH D009386, MONDO:0015356.
POLD1-related polyposis and colorectal cancer syndrome (CRCS10). Also called: Colorectal cancer, susceptibility to, 10; Colorectal cancer 10; COLORECTAL CANCER, SUSCEPTIBILITY TO, ON CHROMOSOME 19q. Identifiers: Orphanet 220460, MedGen C2675481, MONDO:0012953, OMIM 612591.

Submissions (3):

Labcorp Genetics (formerly Invitae), Labcorp
Classification: Likely benign for POLD1-related polyposis and colorectal cancer syndrome. Last evaluated: 2024-08-30. Review status: criteria provided, single submitter. Criteria: Invitae Variant Classification Sherloc (09022015). Collection method: clinical testing. Allele origin: germline.

Ambry Genetics
Classification: Likely benign for Hereditary cancer-predisposing syndrome. Last evaluated: 2016-02-06. Review status: criteria provided, single submitter. Criteria: Ambry Variant Classification Scheme 2023. Collection method: clinical testing. Allele origin: germline.

GeneDx
Classification: Likely benign. Last evaluated: 2016-01-29. Review status: criteria provided, single submitter. Criteria: GeneDx Variant Classification (06012015). Collection method: clinical testing. Allele origin: germline. Affected: yes.
Comment: This variant is considered likely benign or benign based on one or more of the following criteria: it is a conservative change, it occurs at a poorly conserved position in the protein, it is predicted to be benign by multiple in silico algorithms, and/or has population frequency not consistent with disease.

NM_002691.4(POLD1):c.2502G>A (p.Arg834=)

Gene: POLD1 (DNA polymerase delta 1, catalytic subunit; plus strand). Cytogenetic location: 19q13.33.
Variant type: single nucleotide variant.
Coding change: c.2502G>A on transcript NM_002691.4 (MANE Select); coding-DNA position 2502, G replaced by A.
Protein change: p.Arg834=; no amino-acid change (arginine 834 retained).
Molecular consequence: synonymous variant. On other transcripts: non-coding transcript variant (1).
Genome position (GRCh38, 1-based): chr19:50,414,928, G>A. VCF-style: chr19-50414928-G-A. GRCh37 (hg19) VCF-style: chr19-50918185-G-A.
Other names: c.2502G>A, p.Arg834= (NM_001256849.1); c.2580G>A, p.Arg860= (NM_001308632.1).
Identifiers: ClinVar variation 383455 (VCV000383455.13), dbSNP rs1057521633, ClinGen allele CA16607928.
Genomic context (GRCh38, chr19:50,414,928, plus strand): 5'-CTCCTCCCGGCCCGACGCCCACGACCGCATGGACTGCAAGGGCCTGGAGGCCGTGCGCAG[G>A]GACAACTGCCCCCTCGTGGCCAACCTGGTCACTGCCTCACTGCGCCGCCTGCTCATCGAC-3'
Protein context (NP_002682.2, residues 824-844): MDCKGLEAVR[Arg834=]DNCPLVANLV